The following is an entry in ClinVar:

NM_001077653.2(TBX20):c.702T>G (p.Ile234Met)

Gene: TBX20 (T-box transcription factor 20; minus strand). Cytogenetic location: 7p14.2.
Variant type: single nucleotide variant.
Coding change: c.702T>G on transcript NM_001077653.2 (MANE Select); coding-DNA position 702, T replaced by G.
Protein change: p.Ile234Met; replaces isoleucine 234 with methionine.
Molecular consequence: missense variant.
Genome position (GRCh38, 1-based): chr7:35,240,990, A>C on the plus strand (T>G on the coding strand, the complement: TBX20 is on the minus strand). VCF-style: chr7-35240990-A-C. GRCh37 (hg19) VCF-style: chr7-35280602-A-C.
Other names: c.702T>G, p.Ile234Met (NM_001166220.1); short protein forms I234M.
Identifiers: ClinVar variation 2812480 (VCV002812480.3), dbSNP rs1392725266, ClinGen allele CA367264128.

ClinVar aggregate classification (germline): Uncertain significance (1 of 4 stars; one submission).

Allele frequency attached by ClinVar (database versions not stated): gnomAD exomes below 0.00001; TOPMed below 0.00001.
gnomAD v4.1: 2 of 1,613,836 alleles (0.00012%); highest among the groups gnomAD compares: Admixed American, 0.0033%; no homozygotes.

Submission:

Labcorp Genetics (formerly Invitae), Labcorp
Classification: Uncertain significance. Last evaluated: 2024-06-13. Review status: criteria provided, single submitter. Criteria: Invitae Variant Classification Sherloc (09022015). Collection method: clinical testing. Allele origin: germline.
Comment: This sequence change replaces isoleucine, which is neutral and non-polar, with methionine, which is neutral and non-polar, at codon 234 of the TBX20 protein (p.Ile234Met). This variant is present in population databases (no rsID available, gnomAD 0.003%). This variant has not been reported in the literature in individuals affected with TBX20-related conditions. Advanced modeling of protein sequence and biophysical properties (such as structural, functional, and spatial information, amino acid conservation, physicochemical variation, residue mobility, and thermodynamic stability) performed at Invitae indicates that this missense variant is not expected to disrupt TBX20 protein function with a negative predictive value of 80%. In summary, the available evidence is currently insufficient to determine the role of this variant in disease. Therefore, it has been classified as a Variant of Uncertain Significance.